The following is an entry in ClinVar:

ClinVar aggregate classification (germline): Uncertain significance (1 of 4 stars; one submission).

Submission:

Labcorp Genetics (formerly Invitae), Labcorp
Classification: Uncertain significance. Last evaluated: 2023-05-15. Review status: criteria provided, single submitter. Criteria: Invitae Variant Classification Sherloc (09022015). Collection method: clinical testing. Allele origin: germline.
Comment: In summary, the available evidence is currently insufficient to determine the role of this variant in disease. Therefore, it has been classified as a Variant of Uncertain Significance. Advanced modeling of protein sequence and biophysical properties (such as structural, functional, and spatial information, amino acid conservation, physicochemical variation, residue mobility, and thermodynamic stability) performed at Invitae indicates that this missense variant is expected to disrupt INTU protein function. This variant has not been reported in the literature in individuals affected with INTU-related conditions. This variant is not present in population databases (gnomAD no frequency). This sequence change replaces glycine, which is neutral and non-polar, with aspartic acid, which is acidic and polar, at codon 389 of the INTU protein (p.Gly389Asp).

NM_015693.4(INTU):c.1166G>A (p.Gly389Asp)

Gene: INTU (inturned planar cell polarity protein; plus strand). Cytogenetic location: 4q28.1.
Variant type: single nucleotide variant.
Coding change: c.1166G>A on transcript NM_015693.4 (MANE Select); coding-DNA position 1166, G replaced by A.
Protein change: p.Gly389Asp; replaces glycine 389 with aspartic acid.
Molecular consequence: missense variant.
Genome position (GRCh38, 1-based): chr4:127,674,198, G>A. VCF-style: chr4-127674198-G-A. GRCh37 (hg19) VCF-style: chr4-128595353-G-A.
Other names: short protein forms G389D.
Identifiers: ClinVar variation 2864633 (VCV002864633.3), dbSNP rs1729067953, ClinGen allele CA358143643.